The following is an entry in ClinVar:

NM_001852.4(COL9A2):c.417+4A>C

Gene: COL9A2 (collagen type IX alpha 2 chain; minus strand). Cytogenetic location: 1p34.2.
Variant type: single nucleotide variant.
Coding change: c.417+4A>C on transcript NM_001852.4 (MANE Select); 4 bases into the intron after coding-DNA position 417, A replaced by C.
Molecular consequence: intron variant.
Genome position (GRCh38, 1-based): chr1:40,312,055, T>G on the plus strand (A>C on the coding strand, the complement: COL9A2 is on the minus strand). VCF-style: chr1-40312055-T-G. GRCh37 (hg19) VCF-style: chr1-40777727-T-G.
Identifiers: ClinVar variation 2106459 (VCV002106459.4), dbSNP rs1385629820, ClinGen allele CA522416191.

ClinVar aggregate classification (germline): Uncertain significance (1 of 4 stars; one submission).

Allele frequency attached by ClinVar (database versions not stated): gnomAD exomes below 0.00001; TOPMed 0.00001.

Submission:

Labcorp Genetics (formerly Invitae), Labcorp
Classification: Uncertain significance. Last evaluated: 2022-03-04. Review status: criteria provided, single submitter. Criteria: Invitae Variant Classification Sherloc (09022015). Collection method: clinical testing. Allele origin: germline.
Comment: This sequence change falls in intron 8 of the COL9A2 gene. It does not directly change the encoded amino acid sequence of the COL9A2 protein. It affects a nucleotide within the consensus splice site. This variant is present in population databases (no rsID available, gnomAD 0.007%). This variant has not been reported in the literature in individuals affected with COL9A2-related conditions. Variants that disrupt the consensus splice site are a relatively common cause of aberrant splicing (PMID: 17576681, 9536098). Algorithms developed to predict the effect of sequence changes on RNA splicing suggest that this variant may create or strengthen a splice site. In summary, the available evidence is currently insufficient to determine the role of this variant in disease. Therefore, it has been classified as a Variant of Uncertain Significance.

Literature cited by the submitters: PubMed 17576681; PubMed 9536098.